The following is an entry in ClinVar:

NM_001256317.3(TMPRSS3):c.1197C>G (p.Asp399Glu)

Gene: TMPRSS3 (transmembrane serine protease 3; minus strand). Cytogenetic location: 21q22.3.
Variant type: single nucleotide variant.
Coding change: c.1197C>G on transcript NM_001256317.3 (MANE Select); coding-DNA position 1197, C replaced by G.
Protein change: p.Asp399Glu; replaces aspartic acid 399 with glutamic acid.
Molecular consequence: missense variant.
Genome position (GRCh38, 1-based): chr21:42,375,863, G>C on the plus strand (C>G on the coding strand, the complement: TMPRSS3 is on the minus strand). VCF-style: chr21-42375863-G-C. GRCh37 (hg19) VCF-style: chr21-43795972-G-C.
Other names: c.1200C>G, p.Asp400Glu (NM_024022.4); c.819C>G, p.Asp273Glu (NM_032404.3); short protein forms D400E, D399E, D273E.
Identifiers: ClinVar variation 46100 (VCV000046100.8), dbSNP rs397517371, ClinGen allele CA137684.

ClinVar aggregate classification (germline): Conflicting classifications of pathogenicity. Review status: criteria provided, conflicting classifications (1 of 4 stars). 4 submissions from 4 submitters: Likely pathogenic (1); Uncertain significance (3). Last evaluated 2025-01-09.

Conditions:
TMPRSS3-related disorder. Also called: TMPRSS3-related condition.
Autosomal recessive nonsyndromic hearing loss 8 (DFNB8). Also called: Deafness, autosomal recessive 10; NEUROSENSORY NONSYNDROMIC RECESSIVE DEAFNESS 8. Identifiers: Orphanet 90636, MedGen C1832827, MONDO:0010987, OMIM 601072.

Allele frequency attached by ClinVar (database versions not stated): ExAC 0.00008; TOPMed below 0.00001; gnomAD 0.00001; gnomAD exomes 0.00004.
gnomAD v4.1: 35 of 1,613,498 alleles (0.0022%); highest among the groups gnomAD compares: Non-Finnish European, 0.0027%; no homozygotes.

Submissions (4):

Institute of Rare Diseases, West China Hospital, Sichuan University
Classification: Likely pathogenic for Autosomal recessive nonsyndromic hearing loss 8. Last evaluated: 2025-01-09. Review status: criteria provided, single submitter. Criteria: ClinGen HL ACMG Specifications v1. Collection method: research. Allele origin: germline. Affected: yes.

PreventionGenetics, part of Exact Sciences
Classification: Uncertain significance for TMPRSS3-related condition. Last evaluated: 2025-01-06. Review status: criteria provided, single submitter. Criteria: ACMG Guidelines, 2015. Collection method: clinical testing. Allele origin: germline.
Comment: The TMPRSS3 c.1200C>G variant is predicted to result in the amino acid substitution p.Asp400Glu. To our knowledge, this variant has not been reported in the literature. This variant is reported in 0.0097% of alleles in individuals of European (Non-Finnish) descent in gnomAD. At this time, the clinical significance of this variant is uncertain due to the absence of conclusive functional and genetic evidence.

Blueprint Genetics
Classification: Uncertain significance. Last evaluated: 2024-07-29. Review status: criteria provided, single submitter. Criteria: ACMG Guidelines, 2015. Collection method: clinical testing. Allele origin: germline.

Laboratory for Molecular Medicine, Mass General Brigham Personalized Medicine
Classification: Uncertain significance. Last evaluated: 2010-10-05. Review status: criteria provided, single submitter. Criteria: LMM Criteria. Collection method: clinical testing. Allele origin: germline. Observed: 1 variant allele.
Comment: Variant classified as Uncertain Significance - Favor Benign. The Asp400Glu varia nt in TMPRSS3 has not been reported in the literature nor previously identified by our laboratory. This residue is conserved across species and computational an alyses (PolyPhen, SIFT, AlignGVGD) suggest that the Asp400Glu variant may impact the protein. However, this information is not predictive enough to assume patho genicity. In summary, the clinical significance of this variant cannot be determ ined at this time.